The following is an entry in ClinVar:

NM_002860.4(ALDH18A1):c.41A>G (p.Asn14Ser)

Gene: ALDH18A1 (aldehyde dehydrogenase 18 family member A1; minus strand). Cytogenetic location: 10q24.1.
Variant type: single nucleotide variant.
Coding change: c.41A>G on transcript NM_002860.4 (MANE Select); coding-DNA position 41, A replaced by G.
Protein change: p.Asn14Ser; replaces asparagine 14 with serine.
Molecular consequence: missense variant. On other transcripts: 5 prime UTR variant (4).
Genome position (GRCh38, 1-based): chr10:95,653,337, T>C on the plus strand (A>G on the coding strand, the complement: ALDH18A1 is on the minus strand). VCF-style: chr10-95653337-T-C. GRCh37 (hg19) VCF-style: chr10-97413094-T-C.
Other names: c.41A>G, p.Asn14Ser (NM_001017423.2, NM_001323413.2, NM_001323414.2 and 2 more transcripts); c.-78A>G (NM_001323412.2, NM_001323416.2, NM_001323418.2); c.-126A>G (NM_001323419.2); short protein forms N14S.
Identifiers: ClinVar variation 2505531 (VCV002505531.1), dbSNP rs2492635029, ClinGen allele CA377710637.

ClinVar aggregate classification (germline): Uncertain significance (1 of 4 stars; one submission).

Conditions:
Autosomal recessive complex spastic paraplegia type 9B. Also called: Spastic paraplegia 9b, autosomal recessive. Identifiers: Orphanet 447760, MedGen C5568980, MONDO:0014702, OMIM 616586.
Hereditary spastic paraplegia 9A. Also called: CATARACTS WITH MOTOR NEURONOPATHY, SHORT STATURE, AND SKELETAL ABNORMALITIES; SPASTIC PARAPLEGIA 9A, AUTOSOMAL DOMINANT; SPASTIC PARAPARESIS WITH AMYOTROPHY, CATARACTS, AND GASTROESOPHAGEAL REFLUX. Identifiers: Orphanet 100990, Orphanet 447753, MedGen C5568978, MONDO:0011006, OMIM 601162.

gnomAD v4.1: 1 of 1,612,886 alleles (0.000062%); highest among the groups gnomAD compares: Non-Finnish European, 0.000085%; no homozygotes.

Submission:

Dr. med. U. Finckh, Human Genetics, Eurofins MVZ
Classification: Uncertain significance for Hereditary spastic paraplegia 9A; Autosomal recessive complex spastic paraplegia type 9B. Last evaluated: 2023-01-01. Review status: criteria provided, single submitter. Criteria: ACMG Guidelines, 2015. Collection method: clinical testing. Allele origin: unknown.